The following is an entry in ClinVar:

NM_001145346.2(RBMXL3):c.2124C>T (p.Tyr708=)

Genes: LRCH2 (leucine rich repeats and calponin homology domain containing 2; minus strand), RBMXL3 (RBMX like 3; plus strand). Cytogenetic location: Xq23.
Variant type: single nucleotide variant.
Coding change: c.2124C>T on transcript NM_001145346.2 (MANE Select); coding-DNA position 2124, C replaced by T.
Protein change: p.Tyr708=; no amino-acid change (tyrosine 708 retained).
Molecular consequence: synonymous variant. On other transcripts: intron variant (2).
Genome position (GRCh38, 1-based): chrX:115,191,565, C>T. VCF-style: chrX-115191565-C-T. GRCh37 (hg19) VCF-style: chrX-114426128-C-T.
Other names: c.350-3195G>A (NM_001243963.2, NM_020871.4).
Identifiers: ClinVar variation 2661242 (VCV002661242.24), dbSNP rs1463382243, ClinGen allele CA518442660.

ClinVar aggregate classification (germline): Likely benign (1 of 4 stars; one submission).

Allele frequency attached by ClinVar (database versions not stated): gnomAD 0.00002.

Submission:

CeGaT Center for Human Genetics Tuebingen
Classification: Likely benign. Last evaluated: 2026-03-01. Review status: criteria provided, single submitter. Criteria: CeGaT Center For Human Genetics Tuebingen Variant Classification Criteria Version 2. Collection method: clinical testing. Allele origin: germline. Affected: yes. Observed: 2 variant alleles.
Comment: RBMXL3: BP4, BP7